The following is an entry in ClinVar:

ClinVar aggregate classification (germline): Uncertain significance. Review status: criteria provided, multiple submitters, no conflicts (2 of 4 stars). 2 submissions from 2 submitters: Uncertain significance (2). Last evaluated 2024-04-02.

Allele frequency attached by ClinVar (database versions not stated): ExAC 0.00001; gnomAD exomes 0.00001.

Submissions (2):

Labcorp Genetics (formerly Invitae), Labcorp
Classification: Uncertain significance. Last evaluated: 2024-04-02. Review status: criteria provided, single submitter. Criteria: Invitae Variant Classification Sherloc (09022015). Collection method: clinical testing. Allele origin: germline.
Comment: This sequence change replaces glutamic acid, which is acidic and polar, with glutamine, which is neutral and polar, at codon 973 of the NEXMIF protein (p.Glu973Gln). This variant is present in population databases (rs768684416, gnomAD 0.008%), including at least one homozygous and/or hemizygous individual. This variant has not been reported in the literature in individuals affected with NEXMIF-related conditions. ClinVar contains an entry for this variant (Variation ID: 587935). An algorithm developed to predict the effect of missense changes on protein structure and function (PolyPhen-2) suggests that this variant is likely to be disruptive. In summary, the available evidence is currently insufficient to determine the role of this variant in disease. Therefore, it has been classified as a Variant of Uncertain Significance.

Ambry Genetics
Classification: Uncertain significance. Last evaluated: 2016-05-19. Review status: criteria provided, single submitter. Criteria: Ambry Variant Classification Scheme 2023. Collection method: clinical testing. Allele origin: germline.
Comment: The p.E973Q variant (also known as c.2917G>C), located in coding exon 2 of the KIAA2022 gene, results from a G to C substitution at nucleotide position 2917. The glutamic acid at codon 973 is replaced by glutamine, an amino acid with highly similar properties. This variant was not reported in population based cohorts in the following databases: Database of Single Nucleotide Polymorphisms (dbSNP), NHLBI Exome Sequencing Project (ESP), and 1000 Genomes Project. In the ESP, this variant was not observed in 6503 samples (13006 alleles) with coverage at this position. This amino acid position is well conserved in available vertebrate species. In addition, this alteration is predicted to be tolerated by in silico analysis. Since supporting evidence is limited at this time, the clinical significance of this variant remains unclear.

NM_001008537.3(NEXMIF):c.2917G>C (p.Glu973Gln)

Gene: NEXMIF (neurite extension and migration factor; minus strand). Cytogenetic location: Xq13.3.
Variant type: single nucleotide variant.
Coding change: c.2917G>C on transcript NM_001008537.3 (MANE Select); coding-DNA position 2917, G replaced by C.
Protein change: p.Glu973Gln; replaces glutamic acid 973 with glutamine.
Molecular consequence: missense variant.
Genome position (GRCh38, 1-based): chrX:74,741,640, C>G on the plus strand (G>C on the coding strand, the complement: NEXMIF is on the minus strand). VCF-style: chrX-74741640-C-G. GRCh37 (hg19) VCF-style: chrX-73961475-C-G.
Other names: short protein forms E973Q.
Identifiers: ClinVar variation 587935 (VCV000587935.7), dbSNP rs768684416, ClinGen allele CA10454995.